The following is an entry in ClinVar:

NM_053025.4(MYLK):c.5355A>T (p.Lys1785Asn)

Genes: MYLK-AS1 (MYLK antisense RNA 1; plus strand), MYLK (myosin light chain kinase; minus strand). Cytogenetic location: 3q21.1.
Variant type: single nucleotide variant.
Coding change: c.5355A>T on transcript NM_053025.4 (MANE Select); coding-DNA position 5355, A replaced by T.
Protein change: p.Lys1785Asn; replaces lysine 1785 with asparagine.
Molecular consequence: missense variant.
Genome position (GRCh38, 1-based): chr3:123,620,220, T>A on the plus strand (A>T on the coding strand, the complement: MYLK is on the minus strand). VCF-style: chr3-123620220-T-A. GRCh37 (hg19) VCF-style: chr3-123339067-T-A.
Other names: c.4995A>T, p.Lys1665Asn (NM_053028.4); c.75A>T, p.Lys25Asn (NM_053031.4, NM_053032.4); c.4827A>T, p.Lys1609Asn (NM_001321309.2); c.5148A>T, p.Lys1716Asn (NM_053026.4); c.5202A>T, p.Lys1734Asn (NM_053027.4); short protein forms K1665N, K1716N, K25N, K1609N, K1734N, K1785N.
Identifiers: ClinVar variation 3297617 (VCV003297617.1).

ClinVar aggregate classification (germline): Uncertain significance (1 of 4 stars; one submission).

Conditions:
Familial thoracic aortic aneurysm and aortic dissection (TAAD). Also called: Thoracic aortic aneurysms and dissections. Identifiers: Orphanet 91387, MedGen C4707243, MONDO:0019625.

gnomAD v4.1: 1 of 1,614,114 alleles (0.000062%); no homozygotes.

Submission:

Ambry Genetics
Classification: Uncertain significance for Familial thoracic aortic aneurysm and aortic dissection. Last evaluated: 2024-06-09. Review status: criteria provided, single submitter. Criteria: Ambry Variant Classification Scheme 2023. Collection method: clinical testing. Allele origin: germline.
Comment: The p.K1785N variant (also known as c.5355A>T), located in coding exon 29 of the MYLK gene, results from an A to T substitution at nucleotide position 5355. The lysine at codon 1785 is replaced by asparagine, an amino acid with similar properties. This amino acid position is conserved. In addition, this alteration is predicted to be tolerated by in silico analysis. Based on the available evidence, the clinical significance of this variant remains unclear.